The following is an entry in ClinVar:

NM_019098.5(CNGB3):c.1117T>C (p.Trp373Arg)

Gene: CNGB3 (cyclic nucleotide gated channel subunit beta 3; minus strand). Cytogenetic location: 8q21.3.
Variant type: single nucleotide variant.
Coding change: c.1117T>C on transcript NM_019098.5 (MANE Select); coding-DNA position 1117, T replaced by C.
Protein change: p.Trp373Arg; replaces tryptophan 373 with arginine.
Molecular consequence: missense variant.
Genome position (GRCh38, 1-based): chr8:86,643,812, A>G on the plus strand (T>C on the coding strand, the complement: CNGB3 is on the minus strand). VCF-style: chr8-86643812-A-G. GRCh37 (hg19) VCF-style: chr8-87656040-A-G.
Other names: short protein forms W373R.
Identifiers: ClinVar variation 846148 (VCV000846148.6), dbSNP rs145619853, ClinGen allele CA4800155.
Genomic context (GRCh38, chr8:86,643,812, plus strand): 5'-CGTTTCCTTCCCCATCATACACCCATCTAGTAGTGCCAATTCCTTCATAGTTTGAAGCCC[A>G]GTAATAAACACAGGCATTAATGTGCAGAATAAACAGCAAGTATCCAGTTGTTCGAATAAC-3'
Protein context (NP_061971.3, residues 363-383): ILHINACVYY[Trp373Arg]ASNYEGIGTT

ClinVar aggregate classification (germline): Uncertain significance. Review status: criteria provided, multiple submitters, no conflicts (2 of 4 stars). 4 submissions from 4 submitters: Uncertain significance (3). 1 of the submissions does not count toward it. Last evaluated 2024-10-12.

Conditions:
Achromatopsia. Also called: Rod monochromatism. Identifiers: Orphanet 49382, MedGen C0152200, MONDO:0018852, HP:0011516.
Inborn genetic diseases. Identifiers: MedGen C0950123, MeSH D030342.

Allele frequency attached by ClinVar (database versions not stated): gnomAD exomes 0.00002 and 0.00005; ExAC 0.00006; gnomAD 0.00022 and 0.00023; ESP Exome Variant Server 0.00023; TOPMed 0.00034; 1000 Genomes Project 30x 0.00047; 1000 Genomes Project 0.00060.
gnomAD v4.1: 66 of 1,607,392 alleles (0.0041%); highest among the groups gnomAD compares: African/African-American, 0.059%; no homozygotes.

Submissions (4):

Ambry Genetics
Classification: Uncertain significance for Inborn genetic diseases. Last evaluated: 2024-10-12. Review status: criteria provided, single submitter. Criteria: Ambry Variant Classification Scheme 2023. Collection method: clinical testing. Allele origin: germline.

Blueprint Genetics
Classification: Uncertain significance. Last evaluated: 2024-07-24. Review status: criteria provided, single submitter. Criteria: ACMG Guidelines, 2015. Collection method: clinical testing. Allele origin: germline.

Labcorp Genetics (formerly Invitae), Labcorp
Classification: Uncertain significance. Last evaluated: 2022-08-15. Review status: criteria provided, single submitter. Criteria: Invitae Variant Classification Sherloc (09022015). Collection method: clinical testing. Allele origin: germline.
Comment: This sequence change replaces tryptophan, which is neutral and slightly polar, with arginine, which is basic and polar, at codon 373 of the CNGB3 protein (p.Trp373Arg). This variant is present in population databases (rs145619853, gnomAD 0.08%). This variant has not been reported in the literature in individuals affected with CNGB3-related conditions. ClinVar contains an entry for this variant (Variation ID: 846148). Algorithms developed to predict the effect of missense changes on protein structure and function are either unavailable or do not agree on the potential impact of this missense change (SIFT: "Deleterious"; PolyPhen-2: "Benign"; Align-GVGD: "Class C0"). In summary, the available evidence is currently insufficient to determine the role of this variant in disease. Therefore, it has been classified as a Variant of Uncertain Significance.

Natera, Inc.
Classification: Uncertain significance for Achromatopsia. Last evaluated: 2020-01-06. Review status: no assertion criteria provided. Collection method: clinical testing. Allele origin: germline. Not counted in ClinVar's aggregate classification.